The following is an entry in ClinVar:

NM_014141.6(CNTNAP2):c.3475+159A>G

Gene: CNTNAP2 (contactin associated protein 2; plus strand). Cytogenetic location: 7q36.1.
Variant type: single nucleotide variant.
Coding change: c.3475+159A>G on transcript NM_014141.6 (MANE Select); 159 bases into the intron after coding-DNA position 3475, A replaced by G.
Molecular consequence: intron variant.
Genome position (GRCh38, 1-based): chr7:148,267,285, A>G. VCF-style: chr7-148267285-A-G. GRCh37 (hg19) VCF-style: chr7-147964377-A-G.
Identifiers: ClinVar variation 679936 (VCV000679936.1), dbSNP rs13240892, ClinGen allele CA12524642.
Genomic context (GRCh38, chr7:148,267,285, plus strand): 5'-GGCCAGTCACGAATATCTTCTCTGTACAGGAAAGTTACGTGGTTGTTCTCGGTGTTGCAC[A>G]AGCAAAGCGTCAACAAATTATCTTTGGGGGAAATTGCTCATGTAACTCATTCTAAAGCTA-3'

ClinVar aggregate classification (germline): Benign (1 of 4 stars; one submission).

Allele frequency attached by ClinVar (database versions not stated): TOPMed 0.54784; 1000 Genomes Project 30x 0.58635; 1000 Genomes Project 0.59804; gnomAD 0.54981 and 0.56214.
gnomAD v4.1: 85,415 of 151,832 alleles (56%); highest among the groups gnomAD compares: South Asian, 77%; 25,589 homozygotes.

Submission:

GeneDx
Classification: Benign. Last evaluated: 2018-06-14. Review status: criteria provided, single submitter. Criteria: GeneDx Variant Classification (06012015). Collection method: clinical testing. Allele origin: germline. Affected: yes.
Comment: This variant is considered likely benign or benign based on one or more of the following criteria: it is a conservative change, it occurs at a poorly conserved position in the protein, it is predicted to be benign by multiple in silico algorithms, and/or has population frequency not consistent with disease.